The following is an entry in ClinVar:

NM_006206.6(PDGFRA):c.3139G>C (p.Glu1047Gln)

Gene: PDGFRA (platelet derived growth factor receptor alpha; plus strand). Cytogenetic location: 4q12.
Variant type: single nucleotide variant.
Coding change: c.3139G>C on transcript NM_006206.6 (MANE Select); coding-DNA position 3139, G replaced by C.
Protein change: p.Glu1047Gln; replaces glutamic acid 1047 with glutamine.
Molecular consequence: missense variant.
Genome position (GRCh38, 1-based): chr4:54,295,141, G>C. VCF-style: chr4-54295141-G-C. GRCh37 (hg19) VCF-style: chr4-55161308-G-C.
Other names: c.3214G>C, p.Glu1072Gln (NM_001347828.2); c.3139G>C, p.Glu1047Gln (NM_001347829.2); c.3178G>C, p.Glu1060Gln (NM_001347830.2); short protein forms E1047Q, E1072Q, E1060Q.
Identifiers: ClinVar variation 1460923 (VCV001460923.6), dbSNP rs1203681167, ClinGen allele CA356896476.

ClinVar aggregate classification (germline): Uncertain significance (1 of 4 stars; one submission).

Conditions:
Gastrointestinal stromal tumor. Also called: Gastrointestinal stroma tumor; Gastrointestinal stromal tumor, somatic. Identifiers: Orphanet 44890, MedGen C0238198, MeSH D046152, MONDO:0011719, OMIM 606764, HP:0100723.

Allele frequency attached by ClinVar (database versions not stated): gnomAD exomes below 0.00001.
gnomAD v4.1: 1 of 1,614,170 alleles (0.000062%); highest among the groups gnomAD compares: Non-Finnish European, 0.000085%; no homozygotes.

Submission:

Labcorp Genetics (formerly Invitae), Labcorp
Classification: Uncertain significance for Gastrointestinal stromal tumor. Last evaluated: 2021-08-10. Review status: criteria provided, single submitter. Criteria: Invitae Variant Classification Sherloc (09022015). Collection method: clinical testing. Allele origin: germline.
Comment: This variant is not present in population databases (ExAC no frequency). This sequence change replaces glutamic acid with glutamine at codon 1047 of the PDGFRA protein (p.Glu1047Gln). The glutamic acid residue is highly conserved and there is a small physicochemical difference between glutamic acid and glutamine. This variant has not been reported in the literature in individuals affected with PDGFRA-related conditions. Algorithms developed to predict the effect of missense changes on protein structure and function are either unavailable or do not agree on the potential impact of this missense change (SIFT: "Deleterious"; PolyPhen-2: "Possibly Damaging"; Align-GVGD: "Class C0"). In summary, the available evidence is currently insufficient to determine the role of this variant in disease. Therefore, it has been classified as a Variant of Uncertain Significance.